The following is an entry in ClinVar:

ClinVar aggregate classification (germline): Uncertain significance. Review status: criteria provided, multiple submitters, no conflicts (2 of 4 stars). 2 submissions from 2 submitters: Uncertain significance (2). Last evaluated 2025-08-23.

Conditions:
ZNF423-related disorder. Also called: ZNF423-related condition.

gnomAD v4.1: 3 of 1,614,046 alleles (0.00019%); highest among the groups gnomAD compares: Admixed American, 0.005%; no homozygotes.

Submissions (2):

Ambry Genetics
Classification: Uncertain significance. Last evaluated: 2025-08-23. Review status: criteria provided, single submitter. Criteria: Ambry Variant Classification Scheme 2023. Collection method: clinical testing. Allele origin: germline.

PreventionGenetics, part of Exact Sciences
Classification: Uncertain significance for ZNF423-related condition. Last evaluated: 2024-12-20. Review status: criteria provided, single submitter. Criteria: ACMG Guidelines, 2015. Collection method: clinical testing. Allele origin: germline.
Comment: The ZNF423 c.132C>G variant is predicted to result in the amino acid substitution p.Asp44Glu. To our knowledge, this variant has not been reported in the literature. This variant is reported in 0.0085% of alleles in individuals of Latino descent in gnomAD. At this time, the clinical significance of this variant is uncertain due to the absence of conclusive functional and genetic evidence.

NM_001379286.1(ZNF423):c.156C>G (p.Asp52Glu)

Gene: ZNF423 (zinc finger protein 423; minus strand). Cytogenetic location: 16q12.1.
Variant type: single nucleotide variant.
Coding change: c.156C>G on transcript NM_001379286.1 (MANE Select); coding-DNA position 156, C replaced by G.
Protein change: p.Asp52Glu; replaces aspartic acid 52 with glutamic acid.
Molecular consequence: missense variant. On other transcripts: 5 prime UTR variant (1).
Genome position (GRCh38, 1-based): chr16:49,730,916, G>C on the plus strand (C>G on the coding strand, the complement: ZNF423 is on the minus strand). VCF-style: chr16-49730916-G-C. GRCh37 (hg19) VCF-style: chr16-49764827-G-C.
Other names: c.132C>G (NM_015069.4, NM_015069.2); c.-49C>G (NM_001271620.2); c.132C>G, p.Asp44Glu (NM_015069.5); short protein forms D52E, D44E.
Identifiers: ClinVar variation 4208702 (VCV004208702.2).